The following is an entry in ClinVar:

ClinVar aggregate classification (germline): Uncertain significance (1 of 4 stars; one submission).

Submission:

Labcorp Genetics (formerly Invitae), Labcorp
Classification: Uncertain significance. Last evaluated: 2021-12-14. Review status: criteria provided, single submitter. Criteria: Invitae Variant Classification Sherloc (09022015). Collection method: clinical testing. Allele origin: germline.
Comment: This sequence change affects codon 3682 of the TRRAP mRNA. It is a 'silent' change, meaning that it does not change the encoded amino acid sequence of the TRRAP protein. In summary, the available evidence is currently insufficient to determine the role of this variant in disease. Therefore, it has been classified as a Variant of Uncertain Significance. Algorithms developed to predict the effect of sequence changes on RNA splicing suggest that this variant may create or strengthen a splice site. This variant has not been reported in the literature in individuals affected with TRRAP-related conditions. This variant is not present in population databases (gnomAD no frequency).

NM_001375524.1(TRRAP):c.11173C>A (p.Arg3725=)

Gene: TRRAP (transformation/transcription domain associated protein; plus strand). Cytogenetic location: 7q22.1.
Variant type: single nucleotide variant.
Coding change: c.11173C>A on transcript NM_001375524.1 (MANE Select); coding-DNA position 11173, C replaced by A.
Protein change: p.Arg3725=; no amino-acid change (arginine 3725 retained).
Molecular consequence: synonymous variant.
Genome position (GRCh38, 1-based): chr7:99,011,371, C>A. VCF-style: chr7-99011371-C-A. GRCh37 (hg19) VCF-style: chr7-98608994-C-A.
Other names: c.11131C>A, p.Arg3711= (NM_001244580.2); c.11044C>A, p.Arg3682= (NM_003496.4).
Identifiers: ClinVar variation 2120196 (VCV002120196.4), dbSNP rs2485081822, ClinGen allele CA456687918.